The following is an entry in ClinVar:

NM_001034853.2(RPGR):c.2153G>A (p.Gly718Asp)

Gene: RPGR (retinitis pigmentosa GTPase regulator; minus strand). Cytogenetic location: Xp11.4.
Variant type: single nucleotide variant.
Coding change: c.2153G>A on transcript NM_001034853.2 (MANE Select); coding-DNA position 2153, G replaced by A.
Protein change: p.Gly718Asp; replaces glycine 718 with aspartic acid.
Molecular consequence: missense variant. On other transcripts: intron variant (8).
Genome position (GRCh38, 1-based): chrX:38,286,846, C>T on the plus strand (G>A on the coding strand, the complement: RPGR is on the minus strand). VCF-style: chrX-38286846-C-T. GRCh37 (hg19) VCF-style: chrX-38146099-C-T.
Other names: c.1569+4113G>A (NM_001367249.1, NM_001367250.1); c.1902+248G>A (NM_001367245.1); c.1386+4113G>A (NM_001367251.1); c.1719+248G>A (NM_001367246.1); c.1572+4113G>A (NM_001367247.1); c.1905+248G>A (NM_000328.3); c.1602+4113G>A (NM_001367248.1); short protein forms G718D.
Identifiers: ClinVar variation 3718277 (VCV003718277.1).
Genomic context (GRCh38, chrX:38,286,846, plus strand): 5'-CCTTCTCCATGCTCCTCCTCCCCTCCCTCCTCCATCTCTTGGTTTCTTTCCTTCTGATGG[C>T]CCTGCTCCCTCTCCTTTTGCTCCTGCTCTTCCCCATCCCTCTTCTTCCATTCTTCCTTCT-3'
Protein context (NP_001030025.1, residues 708-728): EEQEQKEREQ[Gly718Asp]HQKERNQEME

ClinVar aggregate classification (germline): Uncertain significance (1 of 4 stars; one submission).

Conditions:
Primary ciliary dyskinesia. Also called: Ciliary dyskinesia. Identifiers: Orphanet 244, MedGen C0008780, MONDO:0016575, HP:0012265.

gnomAD v4.1: 8 of 1,182,395 alleles (0.00068%); highest among the groups gnomAD compares: African/African-American, 0.015%; no homozygotes.

Submission:

Labcorp Genetics (formerly Invitae), Labcorp
Classification: Uncertain significance for Primary ciliary dyskinesia. Last evaluated: 2024-11-25. Review status: criteria provided, single submitter. Criteria: Invitae Variant Classification Sherloc (09022015). Collection method: clinical testing. Allele origin: germline.
Comment: This sequence change replaces glycine, which is neutral and non-polar, with aspartic acid, which is acidic and polar, at codon 718 of the RPGR (ORF15) protein (p.Gly718Asp). This variant is present in population databases (rs773679348, gnomAD 0.02%). This variant has not been reported in the literature in individuals affected with RPGR (ORF15)-related conditions. Invitae Evidence Modeling of protein sequence and biophysical properties (such as structural, functional, and spatial information, amino acid conservation, physicochemical variation, residue mobility, and thermodynamic stability) indicates that this missense variant is not expected to disrupt RPGR (ORF15) protein function with a negative predictive value of 95%. In summary, the available evidence is currently insufficient to determine the role of this variant in disease. Therefore, it has been classified as a Variant of Uncertain Significance.